The following is an entry in ClinVar:

NM_000170.3(GLDC):c.1438del (p.Asp480fs)

Gene: GLDC (glycine decarboxylase; minus strand). Cytogenetic location: 9p24.1.
Variant type: Deletion.
Coding change: c.1438del on transcript NM_000170.3 (MANE Select); coding-DNA position 1438, one base deleted (G; older notation c.1438delG).
Protein change: p.Asp480fs; shifts the reading frame from aspartic acid 480.
Molecular consequence: frameshift variant.
Genome position (GRCh38, 1-based): chr9:6,592,187, C deleted on the plus strand (G on the coding strand, the reverse complement: GLDC is on the minus strand). VCF-style (leftmost placement, unchanged base first): chr9-6592186-TC-T. GRCh37 (hg19) VCF-style: chr9-6592186-TC-T.
Other names: short protein forms D480fs.
Identifiers: ClinVar variation 2748167 (VCV002748167.3), dbSNP rs2489084081, ClinGen allele CA2697550308.

ClinVar aggregate classification (germline): Pathogenic (1 of 4 stars; one submission).

Conditions:
Glycine encephalopathy. Also called: Nonketotic hyperglycinemia; Non-ketotic hyperglycinemia. Identifiers: Orphanet 407, MedGen C0751748, MONDO:0011612, HP:0008288.

Submission:

Labcorp Genetics (formerly Invitae), Labcorp
Classification: Pathogenic for Glycine encephalopathy. Last evaluated: 2023-07-29. Review status: criteria provided, single submitter. Criteria: Invitae Variant Classification Sherloc (09022015). Collection method: clinical testing. Allele origin: germline.
Comment: For these reasons, this variant has been classified as Pathogenic. This variant has not been reported in the literature in individuals affected with GLDC-related conditions. This variant is not present in population databases (gnomAD no frequency). This sequence change creates a premature translational stop signal (p.Asp480Ilefs*59) in the GLDC gene. It is expected to result in an absent or disrupted protein product. Loss-of-function variants in GLDC are known to be pathogenic (PMID: 16601880).

Literature cited by the submitters: PubMed 16601880.